The following is an entry in ClinVar:

NM_001276270.2(MBD4):c.1159T>G (p.Ser387Ala)

Gene: MBD4 (methyl-CpG binding domain 4, DNA glycosylase; minus strand). Cytogenetic location: 3q21.3.
Variant type: single nucleotide variant.
Coding change: c.1159T>G on transcript NM_001276270.2 (MANE Select); coding-DNA position 1159, T replaced by G.
Protein change: p.Ser387Ala; replaces serine 387 with alanine.
Molecular consequence: missense variant. On other transcripts: intron variant (1).
Genome position (GRCh38, 1-based): chr3:129,436,485, A>C on the plus strand (T>G on the coding strand, the complement: MBD4 is on the minus strand). VCF-style: chr3-129436485-A-C. GRCh37 (hg19) VCF-style: chr3-129155328-A-C.
Other names: c.1159T>G, p.Ser387Ala (NM_001276271.2, NM_001276272.2, NM_003925.3); c.247+1323T>G (NM_001276273.2); short protein forms S387A.
Identifiers: ClinVar variation 3691605 (VCV003691605.2).

ClinVar aggregate classification (germline): Uncertain significance (1 of 4 stars; one submission).

Submission:

Labcorp Genetics (formerly Invitae), Labcorp
Classification: Uncertain significance. Last evaluated: 2024-07-22. Review status: criteria provided, single submitter. Criteria: Invitae Variant Classification Sherloc (09022015). Collection method: clinical testing. Allele origin: germline.
Comment: This sequence change replaces serine, which is neutral and polar, with alanine, which is neutral and non-polar, at codon 387 of the MBD4 protein (p.Ser387Ala). This variant is not present in population databases (gnomAD no frequency). This variant has not been reported in the literature in individuals affected with MBD4-related conditions. An algorithm developed to predict the effect of missense changes on protein structure and function (PolyPhen-2) suggests that this variant is likely to be tolerated. In summary, the available evidence is currently insufficient to determine the role of this variant in disease. Therefore, it has been classified as a Variant of Uncertain Significance.